The following is an entry in ClinVar:

ClinVar aggregate classification (germline): Uncertain significance. Review status: criteria provided, multiple submitters, no conflicts (2 of 4 stars). 2 submissions from 2 submitters: Uncertain significance (2). Last evaluated 2023-01-13.

Submissions (2):

Ambry Genetics
Classification: Uncertain significance. Last evaluated: 2023-01-13. Review status: criteria provided, single submitter. Criteria: Ambry Variant Classification Scheme 2023. Collection method: clinical testing. Allele origin: germline.

Labcorp Genetics (formerly Invitae), Labcorp
Classification: Uncertain significance. Last evaluated: 2022-09-01. Review status: criteria provided, single submitter. Criteria: Invitae Variant Classification Sherloc (09022015). Collection method: clinical testing. Allele origin: germline.
Comment: In summary, the available evidence is currently insufficient to determine the role of this variant in disease. Therefore, it has been classified as a Variant of Uncertain Significance. Algorithms developed to predict the effect of missense changes on protein structure and function are either unavailable or do not agree on the potential impact of this missense change (SIFT: "Tolerated"; PolyPhen-2: "Possibly Damaging"; Align-GVGD: "Class C0"). ClinVar contains an entry for this variant (Variation ID: 1443958). This variant has not been reported in the literature in individuals affected with SBF1-related conditions. This variant is not present in population databases (gnomAD no frequency). This sequence change replaces lysine, which is basic and polar, with glutamine, which is neutral and polar, at codon 1303 of the SBF1 protein (p.Lys1303Gln).

NM_002972.4(SBF1):c.3907A>C (p.Lys1303Gln)

Gene: SBF1 (SET binding factor 1; minus strand). Cytogenetic location: 22q13.33.
Variant type: single nucleotide variant.
Coding change: c.3907A>C on transcript NM_002972.4 (MANE Select); coding-DNA position 3907, A replaced by C.
Protein change: p.Lys1303Gln; replaces lysine 1303 with glutamine.
Molecular consequence: missense variant.
Genome position (GRCh38, 1-based): chr22:50,456,671, T>G on the plus strand (A>C on the coding strand, the complement: SBF1 is on the minus strand). VCF-style: chr22-50456671-T-G. GRCh37 (hg19) VCF-style: chr22-50895100-T-G.
Other names: c.3907A>C (NM_002972.2); c.3832A>C, p.Lys1278Gln (NM_001365819.1); short protein forms K1278Q, K1303Q.
Identifiers: ClinVar variation 1443958 (VCV001443958.7), dbSNP rs1556421352, ClinGen allele CA412200870.
Genomic context (GRCh38, chr22:50,456,671, plus strand): 5'-GGGAGCCCACATCGGTGCCAAGGCCACTGCTGCGTCCACTGGTCCGGACACTGCCCCACT[T>G]ACCTGTGAAGGAGATGCCAGGTAAGCACCCAAAGGGGGCCAGGGCACCACTTACCTGGGG-3'
Protein context (NP_002963.2, residues 1293-1313): SASRRTAPRG[Lys1303Gln]WGSVRTSGRS